The following is an entry in ClinVar:

NM_000089.4(COL1A2):c.891+7A>T

Gene: COL1A2 (collagen type I alpha 2 chain; plus strand). Cytogenetic location: 7q21.3.
Variant type: single nucleotide variant.
Coding change: c.891+7A>T on transcript NM_000089.4 (MANE Select); 7 bases into the intron after coding-DNA position 891, A replaced by T.
Molecular consequence: intron variant.
Genome position (GRCh38, 1-based): chr7:94,409,427, A>T. VCF-style: chr7-94409427-A-T. GRCh37 (hg19) VCF-style: chr7-94038739-A-T.
Identifiers: ClinVar variation 734434 (VCV000734434.33), dbSNP rs1017077909, ClinGen allele CA162919817.

ClinVar aggregate classification (germline): Conflicting classifications of pathogenicity. Review status: criteria provided, conflicting classifications (1 of 4 stars). 2 submissions from 2 submitters: Uncertain significance (1); Likely benign (1). Last evaluated 2023-12-01.

Conditions:
Osteogenesis imperfecta type I (OI1). Also called: Osteogenesis imperfecta type 1; Lobstein's Disease; OI, TYPE I; OSTEOGENESIS IMPERFECTA TARDA; OSTEOGENESIS IMPERFECTA WITH BLUE SCLERAE; Classic Non-deforming Osteogenesis Imperfecta with Blue Sclerae. Identifiers: Orphanet 216796, Orphanet 666, MedGen C0023931, MONDO:0008146, OMIM 166200. Disease mechanism: loss of function.
Ehlers-Danlos syndrome, classic type, 1 (EDSCL1). Also called: Ehlers-Danlos syndrome, type 1; EHLERS-DANLOS SYNDROME, GRAVIS TYPE; EHLERS-DANLOS SYNDROME, SEVERE CLASSIC TYPE; Ehlers-Danlos Syndrome, Classic Type, COL5A1-Related; EDS I. Identifiers: MedGen C0268335, MONDO:0019567, OMIM 130000.

Allele frequency attached by ClinVar (database versions not stated): gnomAD exomes below 0.00001 and 0.00001; gnomAD 0.00001 and 0.00002; TOPMed 0.00003.
gnomAD v4.1: 7 of 1,613,882 alleles (0.00043%); highest among the groups gnomAD compares: African/African-American, 0.0013%; no homozygotes.

Submissions (2):

CeGaT Center for Human Genetics Tuebingen
Classification: Uncertain significance. Last evaluated: 2023-12-01. Review status: criteria provided, single submitter. Criteria: CeGaT Center For Human Genetics Tuebingen Variant Classification Criteria Version 2. Collection method: clinical testing. Allele origin: germline. Affected: yes. Observed: 1 variant allele.
Comment: COL1A2: PM2, BP4

Labcorp Genetics (formerly Invitae), Labcorp
Classification: Likely benign for Osteogenesis imperfecta type I; Ehlers-Danlos syndrome, classic type, 1. Last evaluated: 2023-11-17. Review status: criteria provided, single submitter. Criteria: Invitae Variant Classification Sherloc (09022015). Collection method: clinical testing. Allele origin: germline.